The following is an entry in ClinVar:

ClinVar aggregate classification (germline): Uncertain significance. Review status: criteria provided, single submitter (1 of 4 stars). 2 submissions from 2 submitters: Uncertain significance (1). 1 of the submissions does not count toward it. Last evaluated 2025-06-29.

Conditions:
MAMLD1-related disorder. Also called: MAMLD1-related condition.
Inborn genetic diseases. Identifiers: MedGen C0950123, MeSH D030342.

Allele frequency attached by ClinVar (database versions not stated): gnomAD 0.00001; TOPMed 0.00007; gnomAD exomes 0.00008; ExAC 0.00018.

Submissions (2):

Ambry Genetics
Classification: Uncertain significance for Inborn genetic diseases. Last evaluated: 2025-06-29. Review status: criteria provided, single submitter. Criteria: Ambry Variant Classification Scheme 2023. Collection method: clinical testing. Allele origin: germline.

PreventionGenetics, part of Exact Sciences
Classification: Likely benign for MAMLD1-related condition. Last evaluated: 2021-01-07. Review status: no assertion criteria provided. Collection method: clinical testing. Allele origin: germline. Not counted in ClinVar's aggregate classification.
Comment: This variant is classified as likely benign based on ACMG/AMP sequence variant interpretation guidelines (Richards et al. 2015 PMID: 25741868, with internal and published modifications).

NM_005491.5(MAMLD1):c.1837C>T (p.Leu613Phe)

Gene: MAMLD1 (mastermind like domain containing 1; plus strand). Cytogenetic location: Xq28.
Variant type: single nucleotide variant.
Coding change: c.1837C>T on transcript NM_005491.5 (MANE Select); coding-DNA position 1837, C replaced by T.
Protein change: p.Leu613Phe; replaces leucine 613 with phenylalanine.
Molecular consequence: missense variant.
Genome position (GRCh38, 1-based): chrX:150,471,410, C>T. VCF-style: chrX-150471410-C-T. GRCh37 (hg19) VCF-style: chrX-149639682-C-T.
Other names: c.1762C>T, p.Leu588Phe (NM_001177465.3, NM_001177466.3, NM_001400514.1); c.1837C>T, p.Leu613Phe (NM_001400512.1, NM_001400513.1, NM_001400515.1); c.1837C>T (NM_005491.3); short protein forms L588F, L613F.
Identifiers: ClinVar variation 3036241 (VCV003036241.3), dbSNP rs782323826, ClinGen allele CA10538867.